The following is an entry in ClinVar:

ClinVar aggregate classification (germline): Uncertain significance. Review status: criteria provided, multiple submitters, no conflicts (2 of 4 stars). 2 submissions from 2 submitters: Uncertain significance (2). Last evaluated 2025-03-17.

Allele frequency attached by ClinVar (database versions not stated): gnomAD exomes below 0.00001; TOPMed below 0.00001.
gnomAD v4.1: 2 of 1,605,824 alleles (0.00012%); highest among the groups gnomAD compares: Non-Finnish European, 0.00017%; no homozygotes.

Submissions (2):

GeneDx
Classification: Uncertain significance. Last evaluated: 2025-03-17. Review status: criteria provided, single submitter. Criteria: GeneDx Variant Classification Process June 2021. Collection method: clinical testing. Allele origin: germline. Affected: yes.
Comment: Not observed at significant frequency in large population cohorts (gnomAD); In silico analysis supports that this missense variant has a deleterious effect on protein structure/function; Has not been previously published as pathogenic or benign to our knowledge

Labcorp Genetics (formerly Invitae), Labcorp
Classification: Uncertain significance. Last evaluated: 2024-10-16. Review status: criteria provided, single submitter. Criteria: Invitae Variant Classification Sherloc (09022015). Collection method: clinical testing. Allele origin: germline.
Comment: This sequence change replaces alanine, which is neutral and non-polar, with valine, which is neutral and non-polar, at codon 191 of the ACAN protein (p.Ala191Val). The frequency data for this variant in the population databases is considered unreliable, as metrics indicate poor data quality at this position in the gnomAD database. This variant has not been reported in the literature in individuals affected with ACAN-related conditions. Invitae Evidence Modeling of protein sequence and biophysical properties (such as structural, functional, and spatial information, amino acid conservation, physicochemical variation, residue mobility, and thermodynamic stability) indicates that this missense variant is not expected to disrupt ACAN protein function with a negative predictive value of 80%. In summary, the available evidence is currently insufficient to determine the role of this variant in disease. Therefore, it has been classified as a Variant of Uncertain Significance.

NM_001369268.1(ACAN):c.572C>T (p.Ala191Val)

Gene: ACAN (aggrecan; plus strand). Cytogenetic location: 15q26.1.
Variant type: single nucleotide variant.
Coding change: c.572C>T on transcript NM_001369268.1 (MANE Select); coding-DNA position 572, C replaced by T.
Protein change: p.Ala191Val; replaces alanine 191 with valine.
Molecular consequence: missense variant.
Genome position (GRCh38, 1-based): chr15:88,840,129, C>T. VCF-style: chr15-88840129-C-T. GRCh37 (hg19) VCF-style: chr15-89383360-C-T.
Other names: c.572C>T, p.Ala191Val (NM_001411096.1, NM_001411097.1, NM_013227.4 and 1 more transcripts); c.572C>T (NM_013227.3); short protein forms A191V.
Identifiers: ClinVar variation 2791939 (VCV002791939.4), dbSNP rs1487339387, ClinGen allele CA393717132.